The following is an entry in ClinVar:

NM_015271.5(TRIM2):c.1903A>C (p.Ile635Leu)

Gene: TRIM2 (tripartite motif containing 2; plus strand). Cytogenetic location: 4q31.3.
Variant type: single nucleotide variant.
Coding change: c.1903A>C on transcript NM_015271.5 (MANE Select); coding-DNA position 1903, A replaced by C.
Protein change: p.Ile635Leu; replaces isoleucine 635 with leucine.
Molecular consequence: missense variant.
Genome position (GRCh38, 1-based): chr4:153,322,768, A>C. VCF-style: chr4-153322768-A-C. GRCh37 (hg19) VCF-style: chr4-154243920-A-C.
Other names: c.1822A>C, p.Ile608Leu (NM_001130067.2, NM_001351056.2, NM_001375512.1 and 5 more transcripts); c.1876A>C, p.Ile626Leu (NM_001351054.2); c.1873A>C, p.Ile625Leu (NM_001351055.2); c.1447A>C, p.Ile483Leu (NM_001351057.2); c.1996A>C, p.Ile666Leu (NM_001375488.1); c.1993A>C, p.Ile665Leu (NM_001375489.1); c.1846A>C, p.Ile616Leu (NM_001375490.1); c.1843A>C, p.Ile615Leu (NM_001375491.1); and 3 more; short protein forms I483L, I522L, I523L, I524L, I608L, I615L, I616L, I625L.
Identifiers: ClinVar variation 1331025 (VCV001331025.7), dbSNP rs142179342, ClinGen allele CA3108843.

ClinVar aggregate classification (germline): Uncertain significance (1 of 4 stars; one submission).

Conditions:
Charcot-Marie-Tooth disease type 2R. Also called: CHARCOT-MARIE-TOOTH NEUROPATHY, TYPE 2R; Charcot-Marie-Tooth disease, axonal, type 2R; CHARCOT-MARIE-TOOTH DISEASE, AXONAL, AUTOSOMAL RECESSIVE, TYPE 2R. Identifiers: Orphanet 397968, MedGen C3809655, MONDO:0014208, OMIM 615490.

Allele frequency attached by ClinVar (database versions not stated): gnomAD exomes below 0.00001; ExAC 0.00001; ESP Exome Variant Server 0.00008.
gnomAD v4.1: 3 of 1,614,114 alleles (0.00019%); highest among the groups gnomAD compares: Non-Finnish European, 0.00025%; no homozygotes.

Submission:

ARUP Laboratories, Molecular Genetics and Genomics, ARUP Laboratories
Classification: Uncertain significance for Charcot-Marie-Tooth disease type 2R. Last evaluated: 2021-11-16. Review status: criteria provided, single submitter. Criteria: ARUP Molecular Germline Variant Investigation Process 2021. Collection method: clinical testing. Allele origin: germline.
Comment: The TRIM2 c.1822A>C; p.Ile608Leu variant (rs142179342), to our knowledge, is not reported in the medical literature or gene specific databases. This variant is only observed on one allele in the Genome Aggregation Database, indicating it is not a common polymorphism. The isoleucine at codon 608 is moderately conserved, and computational analyses are uncertain whether this variant is neutral or deleterious (REVEL: 0.306). Due to limited information, the clinical significance of the p.Ile608Leu variant is uncertain at this time.